The following is an entry in ClinVar:

ClinVar aggregate classification (germline): Pathogenic/Likely pathogenic. Review status: criteria provided, multiple submitters, no conflicts (2 of 4 stars). 2 submissions from 2 submitters: Pathogenic (1); Likely pathogenic (1). Last evaluated 2025-04-14.

Conditions:
DMD-related disorder. Also called: DMD-related condition.
Duchenne muscular dystrophy (DMD). Also called: MUSCULAR DYSTROPHY, PSEUDOHYPERTROPHIC PROGRESSIVE, DUCHENNE TYPE; Duchenne Muscular Dystrophy (DMD). Identifiers: Orphanet 98896, MedGen C0013264, MONDO:0010679, OMIM 310200.

Submissions (2):

Labcorp Genetics (formerly Invitae), Labcorp
Classification: Pathogenic for Duchenne muscular dystrophy. Last evaluated: 2025-04-14. Review status: criteria provided, single submitter. Criteria: Invitae Variant Classification Sherloc (09022015). Collection method: clinical testing. Allele origin: germline.
Comment: This sequence change creates a premature translational stop signal (p.Gln2739*) in the DMD gene. It is expected to result in an absent or disrupted protein product. Loss-of-function variants in DMD are known to be pathogenic (PMID: 16770791, 25007885). This variant is not present in population databases (gnomAD no frequency). This premature translational stop signal has been observed in individual(s) with DMD-related conditions (PMID: 27122458). ClinVar contains an entry for this variant (Variation ID: 1322311). Algorithms developed to predict the effect of sequence changes on RNA splicing suggest that this variant may disrupt the consensus splice site. For these reasons, this variant has been classified as Pathogenic.

Blueprint Genetics
Classification: Likely pathogenic for DMD-related disorders. Last evaluated: 2022-05-26. Review status: criteria provided, single submitter. Criteria: ACMG Guidelines, 2015. Collection method: clinical testing. Allele origin: germline. Affected: yes. Observed: 3 variant alleles.

Literature cited by the submitters: PubMed 16770791 (cited by Labcorp Genetics (formerly Invitae), Labcorp); PubMed 25007885 (cited by Labcorp Genetics (formerly Invitae), Labcorp); PubMed 27122458 (cited by Labcorp Genetics (formerly Invitae), Labcorp).

NM_004006.3(DMD):c.8215C>T (p.Gln2739Ter)

Gene: DMD (dystrophin; minus strand). Cytogenetic location: Xp21.1.
Variant type: single nucleotide variant.
Coding change: c.8215C>T on transcript NM_004006.3 (MANE Select); coding-DNA position 8215, C replaced by T.
Protein change: p.Gln2739Ter; replaces glutamine 2739 with a stop codon.
Molecular consequence: nonsense.
Genome position (GRCh38, 1-based): chrX:31,627,675, G>A on the plus strand (C>T on the coding strand, the complement: DMD is on the minus strand). VCF-style: chrX-31627675-G-A. GRCh37 (hg19) VCF-style: chrX-31645792-G-A.
Other names: c.8191C>T, p.Gln2731Ter (NM_000109.4); c.8203C>T, p.Gln2735Ter (NM_004009.3); c.7846C>T, p.Gln2616Ter (NM_004010.3); c.4192C>T, p.Gln1398Ter (NM_004011.4); c.4183C>T, p.Gln1395Ter (NM_004012.4); c.835C>T, p.Gln279Ter (NM_004013.3, NM_004020.4, NM_004021.3 and 2 more transcripts); short protein forms Q1395*, Q1398*, Q2616*, Q2731*, Q2735*, Q2739*, Q279*.
Identifiers: ClinVar variation 1322311 (VCV001322311.7), dbSNP rs2148421666, ClinGen allele CA412657046.